The following is an entry in ClinVar:

ClinVar aggregate classification (germline): Uncertain significance (1 of 4 stars; one submission).

gnomAD v4.1: 1 of 1,606,306 alleles (0.000062%); highest among the groups gnomAD compares: Admixed American, 0.0017%; no homozygotes.

Submission:

Labcorp Genetics (formerly Invitae), Labcorp
Classification: Uncertain significance. Last evaluated: 2023-11-05. Review status: criteria provided, single submitter. Criteria: Invitae Variant Classification Sherloc (09022015). Collection method: clinical testing. Allele origin: germline.
Comment: This sequence change replaces alanine, which is neutral and non-polar, with threonine, which is neutral and polar, at codon 1981 of the HMCN1 protein (p.Ala1981Thr). This variant is present in population databases (no rsID available, gnomAD 0.003%). This variant has not been reported in the literature in individuals affected with HMCN1-related conditions. Algorithms developed to predict the effect of missense changes on protein structure and function output the following: SIFT: "Not Available"; PolyPhen-2: "Benign"; Align-GVGD: "Not Available". The threonine amino acid residue is found in multiple mammalian species, which suggests that this missense change does not adversely affect protein function. In summary, the available evidence is currently insufficient to determine the role of this variant in disease. Therefore, it has been classified as a Variant of Uncertain Significance.

NM_031935.3(HMCN1):c.5941G>A (p.Ala1981Thr)

Gene: HMCN1 (hemicentin 1; plus strand). Cytogenetic location: 1q31.1.
Variant type: single nucleotide variant.
Coding change: c.5941G>A on transcript NM_031935.3 (MANE Select); coding-DNA position 5941, G replaced by A.
Protein change: p.Ala1981Thr; replaces alanine 1981 with threonine.
Molecular consequence: missense variant.
Genome position (GRCh38, 1-based): chr1:186,038,918, G>A. VCF-style: chr1-186038918-G-A. GRCh37 (hg19) VCF-style: chr1-186008050-G-A.
Other names: short protein forms A1981T.
Identifiers: ClinVar variation 2993981 (VCV002993981.3), dbSNP rs763658772, ClinGen allele CA343898377.